The following is an entry in ClinVar:

ClinVar aggregate classification (germline): Conflicting classifications of pathogenicity. Review status: criteria provided, conflicting classifications (1 of 4 stars). 5 submissions from 5 submitters: Uncertain significance (4); Benign (1). Last evaluated 2026-01-20.

Conditions:
Cardiovascular phenotype. Identifiers: MedGen CN230736.
Ventricular fibrillation. Identifiers: MedGen C0042510, MONDO:0000190, HP:0001663.
Andersen Tawil syndrome (LQT7). Also called: PERIODIC PARALYSIS, POTASSIUM-SENSITIVE CARDIODYSRHYTHMIC TYPE; LONG QT SYNDROME 7; ANDERSEN CARDIODYSRHYTHMIC PERIODIC PARALYSIS; Andersen Syndrome; Potassium-sensitive periodic paralysis, ventricular ectopy, and dysmorphic features. Identifiers: Orphanet 37553, MedGen C1563715, MONDO:0008222, OMIM 170390.
Short QT syndrome type 3. Identifiers: Orphanet 51083, MedGen C1865018, MONDO:0012314, OMIM 609622.

Allele frequency attached by ClinVar (database versions not stated): ExAC 0.00004; gnomAD exomes 0.00004 and 0.00006; TOPMed 0.00006; gnomAD 0.00007; 1000 Genomes Project 30x 0.00016; 1000 Genomes Project 0.00020.

Submissions (5):

Labcorp Genetics (formerly Invitae), Labcorp
Classification: Uncertain significance for Short QT syndrome type 3; Andersen Tawil syndrome. Last evaluated: 2026-01-20. Review status: criteria provided, single submitter. Criteria: Invitae Variant Classification Sherloc (09022015). Collection method: clinical testing. Allele origin: germline.
Comment: This sequence change replaces arginine, which is basic and polar, with cysteine, which is neutral and slightly polar, at codon 325 of the KCNJ2 protein (p.Arg325Cys). This variant is present in population databases (rs202067116, gnomAD 0.02%). This missense change has been observed in individual(s) with arrhythmogenic disorders and/or long QT syndrome (PMID: 27920829, 30975432, 31737537). ClinVar contains an entry for this variant (Variation ID: 190821). Invitae Evidence Modeling of protein sequence and biophysical properties (such as structural, functional, and spatial information, amino acid conservation, physicochemical variation, residue mobility, and thermodynamic stability) has been performed for this missense variant. However, the output from this modeling did not meet the statistical confidence thresholds required to predict the impact of this variant on KCNJ2 protein function. In summary, the available evidence is currently insufficient to determine the role of this variant in disease. Therefore, it has been classified as a Variant of Uncertain Significance.

Ambry Genetics
Classification: Benign for Cardiovascular phenotype. Last evaluated: 2022-09-27. Review status: criteria provided, single submitter. Criteria: Ambry Variant Classification Scheme 2023. Collection method: clinical testing. Allele origin: germline.

GeneDx
Classification: Uncertain significance. Last evaluated: 2019-09-18. Review status: criteria provided, single submitter. Criteria: GeneDx Variant Classification Process June 2021. Collection method: clinical testing. Allele origin: germline. Affected: yes.
Comment: Has been reported in one individual with LQTS; however this individual also harbored a pathogenic variant in a second cardiac gene related to LQTS (Burns et al., 2016); Not observed at a significant frequency in large population cohorts (Lek et al., 2016); In silico analysis, which includes protein predictors and evolutionary conservation, supports a deleterious effect; This variant is associated with the following publications: (PMID: 27920829, 30975432, 31737537)

MVZ Martinsried, Medicover Genetics
Classification: Uncertain significance for Andersen Tawil syndrome. Last evaluated: 2017-03-17. Review status: criteria provided, single submitter. Criteria: ACMG Guidelines, 2015. Collection method: clinical testing. Allele origin: unknown.

Blueprint Genetics
Classification: Uncertain significance for Ventricular fibrillation. Last evaluated: 2015-05-22. Review status: criteria provided, single submitter. Criteria: Variant Classification. Collection method: clinical testing. Allele origin: germline. Affected: yes. Observed: 1 variant allele.

Literature cited by the submitters: PubMed 27920829 (cited by Labcorp Genetics (formerly Invitae), Labcorp and Ambry Genetics); PubMed 30975432 (cited by Labcorp Genetics (formerly Invitae), Labcorp and Ambry Genetics); PubMed 31737537 (cited by Labcorp Genetics (formerly Invitae), Labcorp and Ambry Genetics); PubMed 30615648 (cited by Ambry Genetics); PubMed 32184906 (cited by Ambry Genetics).

NM_000891.3(KCNJ2):c.973C>T (p.Arg325Cys)

Gene: KCNJ2 (potassium inwardly rectifying channel subfamily J member 2; plus strand). Cytogenetic location: 17q24.3.
Variant type: single nucleotide variant.
Coding change: c.973C>T on transcript NM_000891.3 (MANE Select); coding-DNA position 973, C replaced by T.
Protein change: p.Arg325Cys; replaces arginine 325 with cysteine.
Molecular consequence: missense variant.
Genome position (GRCh38, 1-based): chr17:70,176,012, C>T. VCF-style: chr17-70176012-C-T. GRCh37 (hg19) VCF-style: chr17-68172153-C-T.
Other names: p.R325C:CGC>TGC; short protein forms R325C.
Identifiers: ClinVar variation 190821 (VCV000190821.15), dbSNP rs202067116, ClinGen allele CA302073.
Genomic context (GRCh38, chr17:70,176,012, plus strand): 5'-ACTGCCATGACGACACAGTGCCGTAGCTCTTATCTAGCAAATGAAATCCTGTGGGGCCAC[C>T]GCTATGAGCCTGTGCTCTTTGAAGAGAAGCACTACTACAAAGTGGACTATTCCAGGTTCC-3'
Protein context (NP_000882.1, residues 315-335): YLANEILWGH[Arg325Cys]YEPVLFEEKH